The following is an entry in ClinVar:

ClinVar aggregate classification (germline): Likely benign (1 of 4 stars; one submission).

Allele frequency attached by ClinVar (database versions not stated): ExAC 0.00042; TOPMed 0.00043; gnomAD 0.00045; ESP Exome Variant Server 0.00059.
gnomAD v4.1: 613 of 1,613,610 alleles (0.038%); highest among the groups gnomAD compares: Non-Finnish European, 0.021%; 1 homozygote.

Submission:

CeGaT Center for Human Genetics Tuebingen
Classification: Likely benign. Last evaluated: 2023-11-01. Review status: criteria provided, single submitter. Criteria: CeGaT Center For Human Genetics Tuebingen Variant Classification Criteria Version 2. Collection method: clinical testing. Allele origin: germline. Affected: yes. Observed: 1 variant allele.
Comment: RAPGEF4: BS1

NM_007023.4(RAPGEF4):c.2855G>A (p.Arg952His)

Gene: RAPGEF4 (Rap guanine nucleotide exchange factor 4; plus strand). Cytogenetic location: 2q31.1.
Variant type: single nucleotide variant.
Coding change: c.2855G>A on transcript NM_007023.4 (MANE Select); coding-DNA position 2855, G replaced by A.
Protein change: p.Arg952His; replaces arginine 952 with histidine.
Molecular consequence: missense variant. On other transcripts: synonymous variant (2), non-coding transcript variant (3).
Genome position (GRCh38, 1-based): chr2:173,048,601, G>A. VCF-style: chr2-173048601-G-A. GRCh37 (hg19) VCF-style: chr2-173913329-G-A.
Other names: c.2423G>A, p.Arg808His (NM_001100397.2); c.2396G>A, p.Arg799His (NM_001282899.2); c.2342G>A, p.Arg781His (NM_001282900.2); c.2195G>A, p.Arg732His (NM_001282901.2); c.2825G>A, p.Arg942His (NM_001375864.1); c.2822G>A, p.Arg941His (NM_001375865.1); c.2801G>A, p.Arg934His (NM_001375866.1); c.2762G>A, p.Arg921His (NM_001375867.1); and 7 more; short protein forms R732H, R781H, R799H, R808H, R883H, R884H, R885H, R901H.
Identifiers: ClinVar variation 2672834 (VCV002672834.23), dbSNP rs200990002, ClinGen allele CA1970224.